The following is an entry in ClinVar:

ClinVar aggregate classification (germline): Likely benign (1 of 4 stars; one submission).

Allele frequency attached by ClinVar (database versions not stated): ExAC 0.00001; gnomAD exomes 0.00001; gnomAD 0.00002.

Submission:

CeGaT Center for Human Genetics Tuebingen
Classification: Likely benign. Last evaluated: 2022-10-01. Review status: criteria provided, single submitter. Criteria: CeGaT Center For Human Genetics Tuebingen Variant Classification Criteria Version 2. Collection method: clinical testing. Allele origin: germline. Affected: yes. Observed: 1 variant allele.
Comment: DNAJC1: BP4, BP7

NM_022365.4(DNAJC1):c.993A>G (p.Thr331=)

Gene: DNAJC1 (DnaJ heat shock protein family (Hsp40) member C1; minus strand). Cytogenetic location: 10p12.31.
Variant type: single nucleotide variant.
Coding change: c.993A>G on transcript NM_022365.4 (MANE Select); coding-DNA position 993, A replaced by G.
Protein change: p.Thr331=; no amino-acid change (threonine 331 retained).
Molecular consequence: synonymous variant.
Genome position (GRCh38, 1-based): chr10:21,806,085, T>C on the plus strand (A>G on the coding strand, the complement: DNAJC1 is on the minus strand). VCF-style: chr10-21806085-T-C. GRCh37 (hg19) VCF-style: chr10-22095014-T-C.
Identifiers: ClinVar variation 2640347 (VCV002640347.24), dbSNP rs761839374, ClinGen allele CA5435605.